The following is an entry in ClinVar:

ClinVar aggregate classification (germline): Pathogenic. Review status: reviewed by expert panel (3 of 4 stars). 5 submissions from 5 submitters: Pathogenic (1). 4 of the submissions do not count toward it. Last evaluated 2025-05-07.

Conditions:
CDKL5 disorder. Identifiers: MedGen CN296942, MONDO:0100039.
Developmental and epileptic encephalopathy, 2 (DEE2). Also called: INFANTILE SPASM SYNDROME, X-LINKED 2; CDKL5 deficiency disorder. Identifiers: Orphanet 1934, Orphanet 3451, Orphanet 505652, MedGen C4750718, MONDO:0010396, OMIM 300672.

Submissions (5):

ClinGen Rett and Angelman-like Disorders Variant Curation Expert Panel
Classification: Pathogenic for CDKL5 disorder. Last evaluated: 2025-05-07. Review status: reviewed by expert panel. Criteria: ClinGen RettAS ACMG Specifications CDKL5 V4.1.0. Collection method: curation. Allele origin: germline. Inheritance: X-linked inheritance.
Comment: The p.Val718Met variant in CDKL5 has been reported in at least 2 de novo occurrences (biological parentage unconfirmed) in individuals with a CDKL5-related disorder (PMID 18790821, 27599155) (PM6_strong). The p.Val718Met variant has been observed at least 5 individuals with CDKL5-related disorders (PMID 31313283, 18790821, 27599155, GeneDx internal database) (PS4), including in an individual with a clinical phenotype very specific to a CDKL5-related disorder (PMID 27599155) (PP4). Additionally, an in vitro study using a minigene splicing assay showed that splicing is disrupted, resulting in exon 14 being omitted from the transcript (PMID: 29264392) (PS3_supporting). The p.Val718Met variant in CDKL5 is absent from gnomAD v4.1 (PM2_Supporting). In summary, the p.Val718Met variant in CDKL5 is classified as pathogenic for CDKL5-related disorders based on the ACMG/AMP criteria (PM6_strong, PS4, PP4, PS3_supporting, PM2_supporting). (CDKL5 Specifications v.4.1; curation approved on [5/7/2025])

3billion
Classification: Pathogenic for Developmental and epileptic encephalopathy, 2. Last evaluated: 2025-06-26. Review status: criteria provided, single submitter. Criteria: ACMG Guidelines, 2015. Collection method: clinical testing. Allele origin: germline. Affected: yes. Not counted in ClinVar's aggregate classification.
Comment: The variant is not observed in the gnomAD v4.1.0 dataset. Predicted Consequence/Location: Missense variant: previously reported to alter splicing and result in a loss of normal protein function through nonsense-mediated decay (NMD) or protein truncation (PMID: 29264392). In silico tools predict the variant to alter splicing and produce an abnormal transcript [SpliceAI: 0.32 (spliceogenicity >=0.2, non-spliceogenicity <0.1)]. Missense variant: previously reported to alter splicing and result in a loss of normal protein function through nonsense-mediated decay (NMD) or protein truncation (PMID: 29264392). Therefore, this variant is classified as Pathogenic according to the recommendation of ACMG/AMP guideline.

Centre for Population Genomics, CPG
Classification: Uncertain significance for CDKL5 disorder. Last evaluated: 2024-09-16. Review status: criteria provided, single submitter. Criteria: McKnight et al. (Hum Mutat. 2022). Collection method: curation. Allele origin: germline. Inheritance: X-linked inheritance. Not counted in ClinVar's aggregate classification.
Comment: This variant has been collected from RettBASE and curated to current modified ACMG/AMP criteria. Based on the classification scheme defined by the ClinGen Rett/Angelman-like Expert Panel for Rett/AS-like Disorders Specifications to the ACMG/AMP Variant Interpretation Guidelines VCEP 3.0, this variant is classified as a variant of uncertain significance. At least the following criteria are met: This variant has been identified as a de novo occurrence in an individual with CDKL5 disorder without confirmation of paternity and maternity (PM6, PMID: 18790821). This variant is absent from gnomAD (PM2_Supporting).

GeneDx
Classification: Pathogenic. Last evaluated: 2014-03-19. Review status: criteria provided, single submitter. Criteria: GeneDx Variant Classification (06012015). Collection method: clinical testing. Allele origin: germline. Affected: yes. Not counted in ClinVar's aggregate classification.
Comment: The V718M missense mutation in the CDKL5 gene has been reported previously as a de novo mutation in a patient with infantile spasms, microcephaly with deceleration of head growth, severe intellectual disability, and limited hand skills (Bahi-Buisson et al., 2008). This mutation alters a highly conserved position in the C-terminal region of the protein. The variant is found in INFANT-EPI panel(s).

RettBASE
Classification: Likely pathogenic for Epileptic encephalopathy, early infantile, 2. Last evaluated: 2014-03-13. Review status: no assertion criteria provided. Collection method: curation. Allele origin: de novo. Affected: yes. Observed: 1 variant allele. Not counted in ClinVar's aggregate classification.
Comment: No parental studies; highly conserved residue; In silico prediction: SIFT = deleterious, MutationTaster = disease-causing, PolyPhen2 = probably damaging, AlignGVGD = benign (C0)

Literature cited by the submitters: PubMed 22872100 (cited by 3billion); PubMed 29264392 (cited by 3billion); PubMed 18790821 (cited by RettBASE).

NM_001323289.2(CDKL5):c.2152G>A (p.Val718Met)

Gene: CDKL5 (cyclin dependent kinase like 5; plus strand). Cytogenetic location: Xp22.13.
Variant type: single nucleotide variant.
Coding change: c.2152G>A on transcript NM_001323289.2 (MANE Select); coding-DNA position 2152, G replaced by A.
Protein change: p.Val718Met; replaces valine 718 with methionine.
Molecular consequence: missense variant.
Genome position (GRCh38, 1-based): chrX:18,609,570, G>A. VCF-style: chrX-18609570-G-A. GRCh37 (hg19) VCF-style: chrX-18627690-G-A.
Other names: p.V718M:GTG>ATG; NM_001323289.2(CDKL5):c.2152G>A; p.Val718Met; c.2152G>A, p.Val718Met (NM_001037343.2, NM_003159.3); short protein forms V718M.
Identifiers: ClinVar variation 143796 (VCV000143796.7), dbSNP rs267608653, ClinGen allele CA199279.
Genomic context (GRCh38, chrX:18,609,570, plus strand): 5'-AAAGAAAATAGACACCTATACAATGATCCTGTGCCAAGGAGAGTTGGTAGCTTTTACAGA[G>A]GTAAGCCCACCCCCGGCATTCAACAGGTTCCCCTCTCCTCCCTCTCTCACTTTATGTGCA-3'
Protein context (NP_001310218.1, residues 708-728): VPRRVGSFYR[Val718Met]PSPRPDNSFH